The following is an entry in ClinVar:

NM_004369.4(COL6A3):c.1816G>C (p.Ala606Pro)

Gene: COL6A3 (collagen type VI alpha 3 chain; minus strand). Cytogenetic location: 2q37.3.
Variant type: single nucleotide variant.
Coding change: c.1816G>C on transcript NM_004369.4 (MANE Select); coding-DNA position 1816, G replaced by C.
Protein change: p.Ala606Pro; replaces alanine 606 with proline.
Molecular consequence: missense variant.
Genome position (GRCh38, 1-based): chr2:237,380,996, C>G on the plus strand (G>C on the coding strand, the complement: COL6A3 is on the minus strand). VCF-style: chr2-237380996-C-G. GRCh37 (hg19) VCF-style: chr2-238289639-C-G.
Other names: c.595G>C, p.Ala199Pro (NM_057164.5, NM_057166.5); c.1198G>C, p.Ala400Pro (NM_057165.5, NM_057167.4); short protein forms A199P, A400P, A606P.
Identifiers: ClinVar variation 1970296 (VCV001970296.6), dbSNP rs2077988771, ClinGen allele CA351216653.

ClinVar aggregate classification (germline): Uncertain significance. Review status: criteria provided, multiple submitters, no conflicts (2 of 4 stars). 2 submissions from 2 submitters: Uncertain significance (2). Last evaluated 2023-09-25.

Conditions:
Inborn genetic diseases. Identifiers: MedGen C0950123, MeSH D030342.
Bethlem myopathy 1A. Also called: MYOPATHY, BENIGN CONGENITAL, WITH CONTRACTURES; Bethlem myopathy 1; Bethlem Muscular Dystrophy. Identifiers: Orphanet 610, MedGen CN029274, MONDO:0024530, OMIM 158810.

Allele frequency attached by ClinVar (database versions not stated): gnomAD 0.00001.
gnomAD v4.1: 15 of 1,614,094 alleles (0.00093%); highest among the groups gnomAD compares: East Asian, 0.031%; no homozygotes.

Submissions (2):

Ambry Genetics
Classification: Uncertain significance for Inborn genetic diseases. Last evaluated: 2023-09-25. Review status: criteria provided, single submitter. Criteria: Ambry Variant Classification Scheme 2023. Collection method: clinical testing. Allele origin: germline.

Labcorp Genetics (formerly Invitae), Labcorp
Classification: Uncertain significance for Bethlem myopathy 1A. Last evaluated: 2021-12-08. Review status: criteria provided, single submitter. Criteria: Invitae Variant Classification Sherloc (09022015). Collection method: clinical testing. Allele origin: germline.
Comment: This sequence change replaces alanine, which is neutral and non-polar, with proline, which is neutral and non-polar, at codon 606 of the COL6A3 protein (p.Ala606Pro). This variant is not present in population databases (gnomAD no frequency). This variant has not been reported in the literature in individuals affected with COL6A3-related conditions. Advanced modeling of protein sequence and biophysical properties (such as structural, functional, and spatial information, amino acid conservation, physicochemical variation, residue mobility, and thermodynamic stability) performed at Invitae indicates that this missense variant is not expected to disrupt COL6A3 protein function. In summary, the available evidence is currently insufficient to determine the role of this variant in disease. Therefore, it has been classified as a Variant of Uncertain Significance.